The following is an entry in ClinVar:

NC_000017.10:g.(29533390_29541468)_(29541604_29546022)dup

Gene: NF1 (neurofibromin 1; plus strand). Cytogenetic location: 17q11.2.
Variant type: Duplication.
Identifiers: ClinVar variation 4848481 (VCV004848481.1).

ClinVar aggregate classification (germline): Uncertain significance (1 of 4 stars; one submission).

Submission:

Women's Health and Genetics/Laboratory Corporation of America, LabCorp
Classification: Uncertain significance. Last evaluated: 2026-04-16. Review status: criteria provided, single submitter. Criteria: LabCorp Variant Classification Summary - May 2015. Collection method: clinical testing. Allele origin: germline.
Comment: Variant summary: The variant involves the duplication of exon 13 in the NF1 gene. A presumed nomenclature of c.(1392+1_1393-1)_(1527+1_1528-1)dup has been designated for the purposes of this classification. It is assumed to be a tandem duplication in direct orientation (PMIDs: 25640679, 30054569). This Copy Number Variant (CNV) is predicted to result in an in-frame duplication within this gene. The variant was absent in 120600 control chromosomes in the gnomAD database (Structural Variants v4.1 dataset). The available data on variant occurrences in the general population are insufficient to allow any conclusion about variant significance. To our knowledge, no occurrence of c.(1392+1_1393-1)_(1527+1_1528-1)dup in individuals affected with NF1-related conditions and no experimental evidence demonstrating its impact on protein function have been reported. ClinVar contains an entry for this variant (Variation ID: 2422731). Based on the evidence outlined above, the variant was classified as uncertain significance.